The following is an entry in ClinVar:

ClinVar aggregate classification (germline): Uncertain significance (1 of 4 stars; one submission).

Conditions:
Arrhythmogenic right ventricular dysplasia 12. Also called: ARRHYTHMOGENIC RIGHT VENTRICULAR DYSPLASIA, FAMILIAL, 12. Identifiers: MedGen C1969081, MONDO:0012684, OMIM 611528.
Naxos disease (NXD). Also called: KERATOSIS PALMOPLANTARIS WITH ARRHYTHMOGENIC CARDIOMYOPATHY; MAL DE NAXOS; PALMOPLANTAR KERATODERMA WITH ARRHYTHMOGENIC RIGHT VENTRICULAR CARDIOMYOPATHY AND WOOLLY HAIR; WOOLLY HAIR, PALMOPLANTAR KERATODERMA, AND CARDIAC ABNORMALITIES; CARDIOMYOPATHY, ARRHYTHMOGENIC RIGHT VENTRICULAR, WITH SKIN, HAIR, AND NAIL ABNORMALITIES. Identifiers: Orphanet 34217, MedGen C1832600, MONDO:0011017, OMIM 601214.

Submission:

Labcorp Genetics (formerly Invitae), Labcorp
Classification: Uncertain significance for Arrhythmogenic right ventricular dysplasia 12; Naxos disease. Last evaluated: 2024-12-25. Review status: criteria provided, single submitter. Criteria: Invitae Variant Classification Sherloc (09022015). Collection method: clinical testing. Allele origin: germline.
Comment: This sequence change replaces leucine, which is neutral and non-polar, with proline, which is neutral and non-polar, at codon 376 of the JUP protein (p.Leu376Pro). This variant is not present in population databases (gnomAD no frequency). This variant has not been reported in the literature in individuals affected with JUP-related conditions. An algorithm developed to predict the effect of missense changes on protein structure and function (PolyPhen-2) suggests that this variant is likely to be disruptive. In summary, the available evidence is currently insufficient to determine the role of this variant in disease. Therefore, it has been classified as a Variant of Uncertain Significance.

NM_002230.4(JUP):c.1127T>C (p.Leu376Pro)

Gene: JUP (junction plakoglobin; minus strand). Cytogenetic location: 17q21.2.
Variant type: single nucleotide variant.
Coding change: c.1127T>C on transcript NM_002230.4 (MANE Select); coding-DNA position 1127, T replaced by C.
Protein change: p.Leu376Pro; replaces leucine 376 with proline.
Molecular consequence: missense variant.
Genome position (GRCh38, 1-based): chr17:41,764,744, A>G on the plus strand (T>C on the coding strand, the complement: JUP is on the minus strand). VCF-style: chr17-41764744-A-G. GRCh37 (hg19) VCF-style: chr17-39920996-A-G.
Other names: c.1127T>C, p.Leu376Pro (NM_001352773.2, NM_001352774.2, NM_001352775.2 and 3 more transcripts); short protein forms L376P.
Identifiers: ClinVar variation 3760173 (VCV003760173.2).